The following is an entry in ClinVar:

NM_001114753.3(ENG):c.910del (p.Arg304fs)

Gene: ENG (endoglin; minus strand). Cytogenetic location: 9q34.11.
Variant type: Deletion.
Coding change: c.910del on transcript NM_001114753.3 (MANE Select); coding-DNA position 910, one base deleted (C; older notation c.910delC).
Protein change: p.Arg304fs; shifts the reading frame from arginine 304.
Molecular consequence: frameshift variant.
Genome position (GRCh38, 1-based): chr9:127,824,881, G deleted on the plus strand (C on the coding strand, the reverse complement: ENG is on the minus strand); the first of 3 consecutive G bases (chr9:127,824,881-127,824,883); deleting any one gives the same sequence. VCF-style (leftmost placement, unchanged base first): chr9-127824880-CG-C. GRCh37 (hg19) VCF-style: chr9-130587159-CG-C.
Other names: c.908delC, p.Arg304Glyfs (NM_000118.4, NM_001406715.1); c.364del, p.Arg122fs (NM_001278138.2); short protein forms R122fs, R304fs.
Identifiers: ClinVar variation 1765836 (VCV001765836.2), dbSNP rs1269885083, ClinGen allele CA2580079639.

ClinVar aggregate classification (germline): Pathogenic (1 of 4 stars; one submission).

Conditions:
Cardiovascular phenotype. Identifiers: MedGen CN230736.

Submission:

Ambry Genetics
Classification: Pathogenic for Cardiovascular phenotype. Last evaluated: 2019-05-02. Review status: criteria provided, single submitter. Criteria: Ambry Variant Classification Scheme 2023. Collection method: clinical testing. Allele origin: germline.
Comment: The c.910delC pathogenic mutation, located in coding exon 7 of the ENG gene, results from a deletion of one nucleotide at nucleotide position 910, causing a translational frameshift with a predicted alternate stop codon (p.R304Gfs*55). This alteration is expected to result in loss of function by premature protein truncation or nonsense-mediated mRNA decay. As such, this alteration is interpreted as a disease-causing mutation.